The following is an entry in ClinVar:

ClinVar aggregate classification (germline): Uncertain significance (1 of 4 stars; one submission).

Conditions:
Dilated cardiomyopathy 1R (CMD1R). Identifiers: Orphanet 154, Orphanet 54260, MedGen C3150681, MONDO:0013261, OMIM 613424.
Atrial septal defect 5 (ASD5). Identifiers: Orphanet 1478, MedGen C2748552, MONDO:0013011, OMIM 612794.
Hypertrophic cardiomyopathy 11. Also called: ACTC1-Related Familial Hypertrophic Cardiomyopathy. Identifiers: MedGen C2677506, MONDO:0012799, OMIM 612098.

Submission:

Labcorp Genetics (formerly Invitae), Labcorp
Classification: Uncertain significance for Dilated cardiomyopathy 1R; Hypertrophic cardiomyopathy 11; Atrial septal defect 5. Last evaluated: 2022-03-02. Review status: criteria provided, single submitter. Criteria: Invitae Variant Classification Sherloc (09022015). Collection method: clinical testing. Allele origin: germline.
Comment: In summary, the available evidence is currently insufficient to determine the role of this variant in disease. Therefore, it has been classified as a Variant of Uncertain Significance. Algorithms developed to predict the effect of missense changes on protein structure and function (SIFT, PolyPhen-2, Align-GVGD) all suggest that this variant is likely to be disruptive. This variant has not been reported in the literature in individuals affected with ACTC1-related conditions. This variant is not present in population databases (gnomAD no frequency). This sequence change replaces alanine, which is neutral and non-polar, with proline, which is neutral and non-polar, at codon 133 of the ACTC1 protein (p.Ala133Pro).

NM_005159.5(ACTC1):c.397G>C (p.Ala133Pro)

Genes: GJD2-DT (GJD2 divergent transcript; plus strand), ACTC1 (actin alpha cardiac muscle 1; minus strand). Cytogenetic location: 15q14.
Variant type: single nucleotide variant.
Coding change: c.397G>C on transcript NM_005159.5 (MANE Select); coding-DNA position 397, G replaced by C.
Protein change: p.Ala133Pro; replaces alanine 133 with proline.
Molecular consequence: missense variant.
Genome position (GRCh38, 1-based): chr15:34,793,302, C>G on the plus strand (G>C on the coding strand, the complement: ACTC1 is on the minus strand). VCF-style: chr15-34793302-C-G. GRCh37 (hg19) VCF-style: chr15-35085503-C-G.
Other names: short protein forms A133P.
Identifiers: ClinVar variation 1487032 (VCV001487032.8), dbSNP rs1566967697, ClinGen allele CA391631323.